The following is an entry in ClinVar:

NM_033380.3(COL4A5):c.4070G>A (p.Gly1357Glu)

Gene: COL4A5 (collagen type IV alpha 5 chain; plus strand). Cytogenetic location: Xq22.3.
Variant type: single nucleotide variant.
Coding change: c.4070G>A on transcript NM_033380.3 (MANE Select); coding-DNA position 4070, G replaced by A.
Protein change: p.Gly1357Glu; replaces glycine 1357 with glutamic acid.
Molecular consequence: missense variant.
Genome position (GRCh38, 1-based): chrX:108,680,939, G>A. VCF-style: chrX-108680939-G-A. GRCh37 (hg19) VCF-style: chrX-107924169-G-A.
Other names: c.4052G>A, p.Gly1351Glu (NM_000495.5); c.4052G>A (NM_000495.4); short protein forms G1351E, G1357E.
Identifiers: ClinVar variation 1475236 (VCV001475236.9), dbSNP rs104886402, ClinGen allele CA334054787.
Genomic context (GRCh38, chrX:108,680,939, plus strand): 5'-GTGCAGGCATGAAAGGACCCAGTGGAGTACCTGGATCAGCTGGCCCTGAGGGGGAACCGG[G>A]ACTTATTGGTCCTCCAGGTAAGACTTATTCCTGAAGATAGTTATACCTGATACTTAGATG-3'
Protein context (NP_203699.1, residues 1347-1367): PGSAGPEGEP[Gly1357Glu]LIGPPGPPGL

ClinVar aggregate classification (germline): Likely pathogenic. Review status: criteria provided, multiple submitters, no conflicts (2 of 4 stars). 4 submissions from 4 submitters: Likely pathogenic (4). Last evaluated 2023-06-09.

Conditions:
X-linked Alport syndrome (ATS1). Also called: NEPHROPATHY AND DEAFNESS, X-LINKED; COL4A5-Related Nephropathy. Identifiers: Orphanet 63, Orphanet 88917, MedGen C4746986, MONDO:0010520, OMIM 301050.
COL4A5-related disorders.

Submissions (4):

3billion
Classification: Likely pathogenic for X-linked Alport syndrome. Last evaluated: 2023-06-09. Review status: criteria provided, single submitter. Criteria: ACMG Guidelines, 2015. Collection method: clinical testing. Allele origin: germline. Affected: yes.
Comment: The variant is not observed in the gnomAD v2.1.1 dataset. Predicted Consequence/Location: The variant is located in a mutational hot spot and/or well-established functional domain in which established pathogenic variants have been reported (PMID: 7695699, 8218237, 19344236). In silico tool predictions suggest damaging effect of the variant on gene or gene product (REVEL: 0.97; 3Cnet: 0.96). Same nucleotide change resulting in same amino acid change has been previously reported to be associated with COL4A5-related disorder (ClinVar ID: VCV001475236 /PMID: 29270492). Therefore, this variant is classified as Likely pathogenic according to the recommendation of ACMG/AMP guideline.

Clinical Genetics Laboratory, Skane University Hospital Lund
Classification: Likely pathogenic. Last evaluated: 2022-07-13. Review status: criteria provided, single submitter. Criteria: ACMG Guidelines, 2015. Collection method: clinical testing. Allele origin: germline. Affected: yes.

Labcorp Genetics (formerly Invitae), Labcorp
Classification: Likely pathogenic. Last evaluated: 2022-02-19. Review status: criteria provided, single submitter. Criteria: Invitae Variant Classification Sherloc (09022015). Collection method: clinical testing. Allele origin: germline.
Comment: In summary, the currently available evidence indicates that the variant is pathogenic, but additional data are needed to prove that conclusively. Therefore, this variant has been classified as Likely Pathogenic. This variant disrupts the triple helix domain of COL4A5. Glycine residues within the Gly-Xaa-Yaa repeats of the triple helix domain are required for the structure and stability of fibrillar collagens (PMID: 7695699, 8218237, 19344236). In COL4A5, missense variants at these glycine residues are significantly enriched in individuals with disease (PMID: 23720012, 27627812) compared to the general population (ExAC). Advanced modeling of protein sequence and biophysical properties (such as structural, functional, and spatial information, amino acid conservation, physicochemical variation, residue mobility, and thermodynamic stability) performed at Invitae indicates that this missense variant is expected to disrupt COL4A5 protein function. This missense change has been observed in individual(s) with clinical features of Alport syndrome (PMID: 29270492). This variant is not present in population databases (gnomAD no frequency). This sequence change replaces glycine, which is neutral and non-polar, with glutamic acid, which is acidic and polar, at codon 1351 of the COL4A5 protein (p.Gly1351Glu).

Blueprint Genetics
Classification: Likely pathogenic for COL4A5-related disorders. Last evaluated: 2020-12-10. Review status: criteria provided, single submitter. Criteria: ACMG Guidelines, 2015. Collection method: clinical testing. Allele origin: germline. Affected: yes. Observed: 1 variant allele.

Literature cited by the submitters: PubMed 7695699 (cited by 3billion and Labcorp Genetics (formerly Invitae), Labcorp); PubMed 29270492 (cited by 3billion and Labcorp Genetics (formerly Invitae), Labcorp); PubMed 8218237 (cited by Labcorp Genetics (formerly Invitae), Labcorp); PubMed 19344236 (cited by Labcorp Genetics (formerly Invitae), Labcorp); PubMed 23720012 (cited by Labcorp Genetics (formerly Invitae), Labcorp); PubMed 27627812 (cited by Labcorp Genetics (formerly Invitae), Labcorp).